The following is an entry in ClinVar:

ClinVar aggregate classification (germline): Uncertain significance (1 of 4 stars; one submission).

Allele frequency attached by ClinVar (database versions not stated): TOPMed below 0.00001; gnomAD 0.00001.
gnomAD v4.1: 1 of 1,613,900 alleles (0.000062%); highest among the groups gnomAD compares: Non-Finnish European, 0.000085%; no homozygotes.

Submission:

GeneDx
Classification: Uncertain significance. Last evaluated: 2022-03-18. Review status: criteria provided, single submitter. Criteria: GeneDx Variant Classification Process June 2021. Collection method: clinical testing. Allele origin: germline. Affected: yes.
Comment: Not observed at significant frequency in large population cohorts (gnomAD); In silico analysis supports that this missense variant has a deleterious effect on protein structure/function; Has not been previously published as pathogenic or benign to our knowledge

NM_006922.4(SCN3A):c.4754T>A (p.Phe1585Tyr)

Gene: SCN3A (sodium voltage-gated channel alpha subunit 3; minus strand). Cytogenetic location: 2q24.3.
Variant type: single nucleotide variant.
Coding change: c.4754T>A on transcript NM_006922.4 (MANE Select); coding-DNA position 4754, T replaced by A.
Protein change: p.Phe1585Tyr; replaces phenylalanine 1585 with tyrosine.
Molecular consequence: missense variant.
Genome position (GRCh38, 1-based): chr2:165,092,307, A>T on the plus strand (T>A on the coding strand, the complement: SCN3A is on the minus strand). VCF-style: chr2-165092307-A-T. GRCh37 (hg19) VCF-style: chr2-165948817-A-T.
Other names: c.4607T>A, p.Phe1536Tyr (NM_001081676.2, NM_001081677.2); short protein forms F1536Y, F1585Y.
Identifiers: ClinVar variation 1706391 (VCV001706391.2), dbSNP rs1272212377, ClinGen allele CA349018896.